The following is an entry in ClinVar:

ClinVar aggregate classification (germline): Uncertain significance (1 of 4 stars; one submission).

Submission:

Labcorp Genetics (formerly Invitae), Labcorp
Classification: Uncertain significance. Last evaluated: 2022-10-18. Review status: criteria provided, single submitter. Criteria: Invitae Variant Classification Sherloc (09022015). Collection method: clinical testing. Allele origin: germline.
Comment: This sequence change replaces aspartic acid, which is acidic and polar, with asparagine, which is neutral and polar, at codon 9 of the MME protein (p.Asp9Asn). This variant is not present in population databases (gnomAD no frequency). This variant has not been reported in the literature in individuals affected with MME-related conditions. ClinVar contains an entry for this variant (Variation ID: 1470627). Algorithms developed to predict the effect of missense changes on protein structure and function (SIFT, PolyPhen-2, Align-GVGD) all suggest that this variant is likely to be tolerated. In summary, the available evidence is currently insufficient to determine the role of this variant in disease. Therefore, it has been classified as a Variant of Uncertain Significance.

NM_007289.4(MME):c.25G>A (p.Asp9Asn)

Gene: MME (membrane metalloendopeptidase; plus strand). Cytogenetic location: 3q25.2.
Variant type: single nucleotide variant.
Coding change: c.25G>A on transcript NM_007289.4 (MANE Select); coding-DNA position 25, G replaced by A.
Protein change: p.Asp9Asn; replaces aspartic acid 9 with asparagine.
Molecular consequence: missense variant.
Genome position (GRCh38, 1-based): chr3:155,084,192, G>A. VCF-style: chr3-155084192-G-A. GRCh37 (hg19) VCF-style: chr3-154801981-G-A.
Other names: c.25G>A, p.Asp9Asn (NM_000902.5, NM_001354642.2, NM_001354643.1 and 3 more transcripts); short protein forms D9N.
Identifiers: ClinVar variation 1470627 (VCV001470627.3), dbSNP rs370911005, ClinGen allele CA355128592.
Genomic context (GRCh38, chr3:155,084,192, plus strand): 5'-ATTATTAGTATTTTCATTTTTTGCAGATTTTAGGTGATGGGCAAGTCAGAAAGTCAGATG[G>A]ATATAACTGATATCAACACTCCAAAGCCAAAGAAGAAACAGCGATGGACTCCACTGGAGA-3'
Protein context (NP_009220.2, residues 1-19): MGKSESQM[Asp9Asn]ITDINTPKPK